The following is an entry in ClinVar:

ClinVar aggregate classification (germline): Uncertain significance (1 of 4 stars; one submission).

Conditions:
Hereditary cancer-predisposing syndrome. Also called: Neoplastic Syndromes, Hereditary; Tumor predisposition; Hereditary Cancer Syndrome; Hereditary neoplastic syndrome. Identifiers: Orphanet 140162, MedGen C0027672, MeSH D009386, MONDO:0015356.

Submission:

Ambry Genetics
Classification: Uncertain significance for Hereditary cancer-predisposing syndrome. Last evaluated: 2022-07-25. Review status: criteria provided, single submitter. Criteria: Ambry Variant Classification Scheme 2023. Collection method: clinical testing. Allele origin: germline.
Comment: The p.L141S variant (also known as c.422T>C), located in coding exon 5 of the MRE11A gene, results from a T to C substitution at nucleotide position 422. The leucine at codon 141 is replaced by serine, an amino acid with dissimilar properties. This amino acid position is conserved. In addition, this alteration is predicted to be deleterious by in silico analysis. Since supporting evidence is limited at this time, the clinical significance of this alteration remains unclear.

NM_005591.4(MRE11):c.422T>C (p.Leu141Ser)

Gene: MRE11 (MRE11 double strand break repair nuclease; minus strand). Cytogenetic location: 11q21.
Variant type: single nucleotide variant.
Coding change: c.422T>C on transcript NM_005591.4 (MANE Select); coding-DNA position 422, T replaced by C.
Protein change: p.Leu141Ser; replaces leucine 141 with serine.
Molecular consequence: missense variant.
Genome position (GRCh38, 1-based): chr11:94,478,857, A>G on the plus strand (T>C on the coding strand, the complement: MRE11 is on the minus strand). VCF-style: chr11-94478857-A-G. GRCh37 (hg19) VCF-style: chr11-94212023-A-G.
Other names: c.422T>C, p.Leu141Ser (NM_001330347.2, NM_005590.4); short protein forms L141S.
Identifiers: ClinVar variation 1799873 (VCV001799873.2), dbSNP rs2496557549, ClinGen allele CA382377772.